The following is an entry in ClinVar:

NM_000285.4(PEPD):c.978G>C (p.Trp326Cys)

Gene: PEPD (peptidase D; minus strand). Cytogenetic location: 19q13.11.
Variant type: single nucleotide variant.
Coding change: c.978G>C on transcript NM_000285.4 (MANE Select); coding-DNA position 978, G replaced by C.
Protein change: p.Trp326Cys; replaces tryptophan 326 with cysteine.
Molecular consequence: missense variant.
Genome position (GRCh38, 1-based): chr19:33,391,469, C>G on the plus strand (G>C on the coding strand, the complement: PEPD is on the minus strand). VCF-style: chr19-33391469-C-G. GRCh37 (hg19) VCF-style: chr19-33882375-C-G.
Other names: c.855G>C, p.Trp285Cys (NM_001166056.2); c.786G>C, p.Trp262Cys (NM_001166057.2); c.978G>C (NM_000285.3); short protein forms W262C, W326C, W285C.
Identifiers: ClinVar variation 1385354 (VCV001385354.4), dbSNP rs758649991, ClinGen allele CA9364033.

ClinVar aggregate classification (germline): Uncertain significance. Review status: criteria provided, multiple submitters, no conflicts (2 of 4 stars). 2 submissions from 2 submitters: Uncertain significance (2). Last evaluated 2025-06-24.

Conditions:
Inborn genetic diseases. Identifiers: MedGen C0950123, MeSH D030342.

Allele frequency attached by ClinVar (database versions not stated): gnomAD exomes 0.00002 and 0.00004; gnomAD 0.00004; TOPMed 0.00004.
gnomAD v4.1: 64 of 1,550,236 alleles (0.0041%); highest among the groups gnomAD compares: Non-Finnish European, 0.0042%; 1 homozygote.

Submissions (2):

Ambry Genetics
Classification: Uncertain significance for Inborn genetic diseases. Last evaluated: 2025-06-24. Review status: criteria provided, single submitter. Criteria: Ambry Variant Classification Scheme 2023. Collection method: clinical testing. Allele origin: germline.

Labcorp Genetics (formerly Invitae), Labcorp
Classification: Uncertain significance. Last evaluated: 2021-09-05. Review status: criteria provided, single submitter. Criteria: Invitae Variant Classification Sherloc (09022015). Collection method: clinical testing. Allele origin: germline.
Comment: This sequence change replaces tryptophan with cysteine at codon 326 of the PEPD protein (p.Trp326Cys). The tryptophan residue is highly conserved and there is a large physicochemical difference between tryptophan and cysteine. The frequency data for this variant in the population databases is considered unreliable, as metrics indicate poor data quality at this position in the ExAC database. This variant has not been reported in the literature in individuals affected with PEPD-related conditions. Algorithms developed to predict the effect of missense changes on protein structure and function (SIFT, PolyPhen-2, Align-GVGD) all suggest that this variant is likely to be disruptive. In summary, the available evidence is currently insufficient to determine the role of this variant in disease. Therefore, it has been classified as a Variant of Uncertain Significance.